The following is an entry in ClinVar:

ClinVar aggregate classification (germline): Uncertain significance (1 of 4 stars; one submission).

Allele frequency attached by ClinVar (database versions not stated): ExAC 0.00002; TOPMed 0.00001 and 0.00002; gnomAD exomes 0.00002.

Submission:

GeneDx
Classification: Uncertain significance. Last evaluated: 2017-01-20. Review status: criteria provided, single submitter. Criteria: GeneDx Variant Classification (06012015). Collection method: clinical testing. Allele origin: germline. Affected: yes.
Comment: The R255W variant in the DPH1 gene has not been reported previously as a pathogenic variant, nor as a benign variant, to our knowledge. This variant was not observed in approximately 6,100 individuals of European and African American ancestry in the NHLBI Exome Sequencing Project, indicating it is not a common benign variant in these populations. The R155W variant is a non-conservative amino acid substitution, which is likely to impact secondary protein structure as these residues differ in polarity, charge, size and/or other properties. This substitution occurs at a position that is conserved across species, and in silico analysis predicts this variant is probably damaging to the protein structure/function. Based on currently available evidence, we interpret R255W as a variant of uncertain significance.

NM_001383.6(DPH1):c.748C>T (p.Arg250Trp)

Gene: DPH1 (diphthamide biosynthesis 1; plus strand). Cytogenetic location: 17p13.3.
Variant type: single nucleotide variant.
Coding change: c.748C>T on transcript NM_001383.6 (MANE Select); coding-DNA position 748, C replaced by T.
Protein change: p.Arg250Trp; replaces arginine 250 with tryptophan.
Molecular consequence: missense variant. On other transcripts: non-coding transcript variant (3).
Genome position (GRCh38, 1-based): chr17:2,039,822, C>T. VCF-style: chr17-2039822-C-T. GRCh37 (hg19) VCF-style: chr17-1943116-C-T.
Other names: c.763C>T, p.Arg255Trp (NM_001346574.1); c.730C>T, p.Arg244Trp (NM_001346575.1); c.343C>T, p.Arg115Trp (NM_001346576.2); short protein forms R255W, R115W, R244W, R250W.
Identifiers: ClinVar variation 392649 (VCV000392649.2), dbSNP rs746958259, ClinGen allele CA8277110.